The following is an entry in ClinVar:

NM_001197104.2(KMT2A):c.6033_6036del (p.Arg2011fs)

Gene: KMT2A (lysine methyltransferase 2A; plus strand). Cytogenetic location: 11q23.3.
Variant type: Microsatellite.
Coding change: c.6033_6036del on transcript NM_001197104.2 (MANE Select); coding-DNA positions 6033 to 6036, 4 bases deleted (GAAG; older notation c.6033_6036delGAAG).
Protein change: p.Arg2011fs; shifts the reading frame from arginine 2011.
Molecular consequence: frameshift variant.
Genome position (GRCh38, 1-based): chr11:118,499,374-118,499,377, GAAG deleted; deleting any 4 consecutive bases within chr11:118,499,370-118,499,377 gives the same sequence; the c. name uses the placement nearest the transcript's 3' end. VCF-style (leftmost placement, unchanged base first): chr11-118499369-AGAAG-A. GRCh37 (hg19) VCF-style: chr11-118370084-AGAAG-A.
Other names: c.6119_6122GAAG[1], p.Arg2041Serfs (NM_001412597.1); c.6024_6027del, p.Arg2008fs (NM_005933.4); short protein forms R2011fs, R2008fs.
Identifiers: ClinVar variation 2028276 (VCV002028276.4), dbSNP rs2496969328, ClinGen allele CA2580615083.
Genomic context (GRCh38, chr11:118,499,369, plus strand): 5'-CCTGAGAATGGATTTGAAGTTTTCAGAAGAGTGTTTGTGGACTTTGAAGGAATCAGCTTG[AGAAG>A]GAAGTTTCTCAATGGCTTGGAACCAGAAAATATCCACATGATGATTGGTATGACCTAGCC-3'

ClinVar aggregate classification (germline): Pathogenic (1 of 4 stars; one submission).

Submission:

Labcorp Genetics (formerly Invitae), Labcorp
Classification: Pathogenic. Last evaluated: 2023-08-24. Review status: criteria provided, single submitter. Criteria: Invitae Variant Classification Sherloc (09022015). Collection method: clinical testing. Allele origin: germline.
Comment: This sequence change creates a premature translational stop signal (p.Arg2011Serfs*13) in the KMT2A gene. It is expected to result in an absent or disrupted protein product. Loss-of-function variants in KMT2A are known to be pathogenic (PMID: 22795537, 25810209, 29574747). For these reasons, this variant has been classified as Pathogenic. This variant has not been reported in the literature in individuals affected with KMT2A-related conditions. This variant is not present in population databases (gnomAD no frequency).

Literature cited by the submitters: PubMed 22795537; PubMed 25810209; PubMed 29574747.